The following is an entry in ClinVar:

ClinVar aggregate classification (germline): Pathogenic. Review status: reviewed by expert panel (3 of 4 stars). 11 submissions from 11 submitters: Pathogenic (1). 10 of the submissions do not count toward it. Last evaluated 2016-09-08.

Conditions:
Inherited breast cancer and ovarian cancer.
Hereditary cancer-predisposing syndrome. Also called: Neoplastic Syndromes, Hereditary; Hereditary neoplastic syndrome; Tumor predisposition; Hereditary Cancer Syndrome. Identifiers: Orphanet 140162, MedGen C0027672, MeSH D009386, MONDO:0015356.
Hereditary breast ovarian cancer syndrome. Also called: BRCA1- and BRCA2-Associated Hereditary Breast and Ovarian Cancer; Hereditary breast and ovarian cancer syndrome; Hereditary breast and ovarian cancer syndrome (HBOC); Hereditary breast and ovarian cancer; Breast and ovarian cancer; Hereditary breast and/or ovarian cancer syndrome. Identifiers: Orphanet 145, MedGen C0677776, MeSH D061325, MONDO:0003582. Disease mechanism: loss of function.
Breast-ovarian cancer, familial, susceptibility to, 2 (BROVCA2). Also called: BRCA2 Hereditary Breast and Ovarian Cancer. Identifiers: Orphanet 145, MedGen C2675520, MONDO:0012933, OMIM 612555. Disease mechanism: loss of function.

Submissions (11):

Evidence-based Network for the Interpretation of Germline Mutant Alleles (ENIGMA)
Classification: Pathogenic for Breast-ovarian cancer, familial, susceptibility to, 2. Last evaluated: 2016-09-08. Review status: reviewed by expert panel. Criteria: ENIGMA BRCA1/2 Classification Criteria (2015). Collection method: curation. Allele origin: germline.
Comment: Variant allele predicted to encode a truncated non-functional protein.

Genetics Laboratory, Great Ormond Street Hospital NHS Foundation Trust, North Thames Genomic Laboratory Hub
Classification: Pathogenic for Inherited breast cancer and ovarian cancer. Last evaluated: 2026-06-25. Review status: criteria provided, single submitter. Criteria: CanVIG BRCA Gene Specific V1.22. Collection method: clinical testing. Allele origin: germline. Affected: yes. Not counted in ClinVar's aggregate classification.
Comment: PS4_supporting, PM2_moderate, PVS1_very-strong

Labcorp Genetics (formerly Invitae), Labcorp
Classification: Pathogenic for Hereditary breast ovarian cancer syndrome. Last evaluated: 2025-05-18. Review status: criteria provided, single submitter. Criteria: Invitae Variant Classification Sherloc (09022015). Collection method: clinical testing. Allele origin: germline. Not counted in ClinVar's aggregate classification.
Comment: This sequence change creates a premature translational stop signal (p.Ser1404*) in the BRCA2 gene. It is expected to result in an absent or disrupted protein product. Loss-of-function variants in BRCA2 are known to be pathogenic (PMID: 20104584). This variant is not present in population databases (gnomAD no frequency). This premature translational stop signal has been observed in individual(s) with ovarian cancer (PMID: 24728189). ClinVar contains an entry for this variant (Variation ID: 186940). For these reasons, this variant has been classified as Pathogenic.

GeneKor MSA
Classification: Pathogenic for Hereditary breast ovarian cancer syndrome. Last evaluated: 2025-05-15. Review status: criteria provided, single submitter. Criteria: ACMG Guidelines, 2015. Collection method: clinical testing. Allele origin: germline. Affected: yes. Not counted in ClinVar's aggregate classification.
Comment: This variant is a deletion of 5 nucleotides in exon 11 of the BRCA2 mRNA c.(4211_4215delCAAAT), causing a premature translation stop signal at codon 1404, p.(Ser1404*). This is expected to result in an absent or disrupted protein product. Truncating variants in the BRCA2 gene are known to be pathogenic (PMID:20104584). This variant is not present in population databases. Therefore it has been observed in an individual affected with ovarian cancer (PMID:24728189). ClinVar contains entries for this variant where is listed as pathogenic (VCV000186940.38). Based on the classification criteria set by the ACMG and AMP (PMID:25741868) this variant has been classified as pathogenic.

GeneDx
Classification: Pathogenic. Last evaluated: 2023-11-20. Review status: criteria provided, single submitter. Criteria: GeneDx Variant Classification Process June 2021. Collection method: clinical testing. Allele origin: germline. Not counted in ClinVar's aggregate classification.
Comment: Nonsense variant predicted to result in protein truncation or nonsense mediated decay in a gene for which loss of function is a known mechanism of disease; Observed in individuals with a personal or family history consistent with pathogenic variants in this gene (PMID: 24504028, 24728189); Not observed at significant frequency in large population cohorts (gnomAD); Truncating variants in this gene are considered pathogenic by a well-established clinical consortium and/or database; Also known as 4439_4443delCAAAT; This variant is associated with the following publications: (PMID: 24504028, 36367610, 24728189, 20104584, 25151137, 29446198, 34428338)

Ambry Genetics
Classification: Pathogenic for Hereditary cancer-predisposing syndrome. Last evaluated: 2023-02-03. Review status: criteria provided, single submitter. Criteria: Ambry Variant Classification Scheme 2023. Collection method: clinical testing. Allele origin: germline. Not counted in ClinVar's aggregate classification.
Comment: The c.4211_4215delCAAAT pathogenic mutation, located in coding exon 10 of the BRCA2 gene, results from a deletion of 5 nucleotides at nucleotide positions 4211 to 4215, causing a translational frameshift with a predicted alternate stop codon (p.S1404*). This alteration has been identified in individuals diagnosed with ovarian cancer (Cunningham JM, Sci Rep 2014 ; 4():4026; Song H, Hum. Mol. Genet. 2014 Sep; 23(17):4703-9). Of note, this alteration is also designated as 1404_1405del in published literature. This variant is considered to be rare based on population cohorts in the Genome Aggregation Database (gnomAD). In addition to the clinical data presented in the literature, this alteration is expected to result in loss of function by premature protein truncation or nonsense-mediated mRNA decay. As such, this alteration is interpreted as a disease-causing mutation.

Color Diagnostics, LLC DBA Color Health
Classification: Pathogenic for Hereditary cancer-predisposing syndrome. Last evaluated: 2020-01-15. Review status: criteria provided, single submitter. Criteria: ACMG Guidelines, 2015. Collection method: clinical testing. Allele origin: germline. Not counted in ClinVar's aggregate classification.
Comment: This variant deletes 5 nucleotides in exon 11 of the BRCA2 gene, creating a frameshift and premature translation stop signal. This variant is expected to result in an absent or non-functional protein product. This variant has not been identified in the general population by the Genome Aggregation Database (gnomAD). Loss of BRCA2 function is a known mechanism of disease. Based on the available evidence, this variant is classified as Pathogenic.

Women's Health and Genetics/Laboratory Corporation of America, LabCorp
Classification: Pathogenic for Hereditary breast and ovarian cancer syndrome. Last evaluated: 2019-08-23. Review status: criteria provided, single submitter. Criteria: LabCorp Variant Classification Summary - May 2015. Collection method: clinical testing. Allele origin: germline. Not counted in ClinVar's aggregate classification.
Comment: Variant summary: BRCA2 c.4211_4215delCAAAT (p.Ser1404X) results in a premature termination codon, predicted to cause a truncation of the encoded protein or absence of the protein due to nonsense mediated decay, which are commonly known mechanisms for disease. Truncations downstream of this position have been classified as pathogenic by our laboratory. The variant was absent in 235862 control chromosomes (gnomAD). c.4211_4215delCAAAT has been reported in the literature in an individual affected with Hereditary Breast and Ovarian Cancer (Rebbeck_2018). These data do not allow any conclusion about variant significance. To our knowledge, no experimental evidence demonstrating an impact on protein function has been reported. Five ClinVar submissions (evaluation after 2014) including an expert panel, ENIGMA, cites the variant as pathogenic. Based on the evidence outlined above, the variant was classified as pathogenic.

ARUP Laboratories, Molecular Genetics and Genomics, ARUP Laboratories
Classification: Pathogenic. Last evaluated: 2016-10-04. Review status: criteria provided, single submitter. Criteria: ARUP Molecular Germline Variant Investigation Process. Collection method: clinical testing. Allele origin: germline. Not counted in ClinVar's aggregate classification.

Consortium of Investigators of Modifiers of BRCA1/2 (CIMBA), c/o University of Cambridge
Classification: Pathogenic for Breast-ovarian cancer, familial, susceptibility to, 2. Last evaluated: 2015-10-02. Review status: criteria provided, single submitter. Criteria: CIMBA Mutation Classification guidelines May 2016. Collection method: clinical testing. Allele origin: germline. Not counted in ClinVar's aggregate classification.

BRCAlab, Lund University
Classification: Pathogenic for Breast-ovarian cancer, familial, susceptibility to, 2. Last evaluated: 2022-08-26. Review status: no assertion criteria provided. Collection method: clinical testing. Allele origin: germline. Affected: yes. Not counted in ClinVar's aggregate classification.

Literature cited by the submitters: PubMed 20104584 (cited by Labcorp Genetics (formerly Invitae), Labcorp and GeneKor MSA); PubMed 24728189 (cited by 4 submitters); PubMed 24504028 (cited by Ambry Genetics and Women's Health and Genetics/Laboratory Corporation of America, LabCorp); PubMed 29446198 (cited by Women's Health and Genetics/Laboratory Corporation of America, LabCorp); PubMed 25151137 (cited by Women's Health and Genetics/Laboratory Corporation of America, LabCorp).

NM_000059.4(BRCA2):c.4211_4215del (p.Thr1403_Ser1404insTer)

Gene: BRCA2 (BRCA2 DNA repair associated; plus strand). Cytogenetic location: 13q13.1.
Variant type: Deletion.
Coding change: c.4211_4215del on transcript NM_000059.4 (MANE Select); coding-DNA positions 4211 to 4215, 5 bases deleted (CAAAT; older notation c.4211_4215delCAAAT).
Protein change: p.Thr1403_Ser1404insTer.
Molecular consequence: nonsense.
Genome position (GRCh38, 1-based): chr13:32,338,566-32,338,570, CAAAT deleted; deleting any 5 consecutive bases within chr13:32,338,565-32,338,570 gives the same sequence; the c. name uses the placement nearest the transcript's 3' end. VCF-style (leftmost placement, unchanged base first): chr13-32338564-TTCAAA-T. GRCh37 (hg19) VCF-style: chr13-32912701-TTCAAA-T.
Other names: c.4211_4215delCAAAT (NM_000059.3).
Identifiers: ClinVar variation 186940 (VCV000186940.42), dbSNP rs786203340, ClinGen allele CA019721.